The following is an entry in ClinVar:

NM_031892.3(SH3KBP1):c.1597A>C (p.Thr533Pro)

Gene: SH3KBP1 (SH3 domain containing kinase binding protein 1; minus strand). Cytogenetic location: Xp22.12.
Variant type: single nucleotide variant.
Coding change: c.1597A>C on transcript NM_031892.3 (MANE Select); coding-DNA position 1597, A replaced by C.
Protein change: p.Thr533Pro; replaces threonine 533 with proline.
Molecular consequence: missense variant. On other transcripts: intron variant (7).
Genome position (GRCh38, 1-based): chrX:19,545,948, T>G on the plus strand (A>C on the coding strand, the complement: SH3KBP1 is on the minus strand). VCF-style: chrX-19545948-T-G. GRCh37 (hg19) VCF-style: chrX-19564066-T-G.
Other names: c.1486A>C, p.Thr496Pro (NM_001024666.3); c.883A>C, p.Thr295Pro (NM_001184960.2); c.1672A>C, p.Thr558Pro (NM_001353891.2); c.1495A>C, p.Thr499Pro (NM_001353893.2); c.1729A>C, p.Thr577Pro (NM_001410756.1); c.1495-3755A>C (NM_001353890.2); c.1570-3755A>C (NM_001353892.2); c.1627-3755A>C (NM_001410757.1); and 4 more; short protein forms T577P, T499P, T558P, T295P, T496P, T533P.
Identifiers: ClinVar variation 3680860 (VCV003680860.2).

ClinVar aggregate classification (germline): Uncertain significance (1 of 4 stars; one submission).

gnomAD v4.1: 35 of 1,209,434 alleles (0.0029%); highest among the groups gnomAD compares: South Asian, 0.062%; no homozygotes.

Submission:

Labcorp Genetics (formerly Invitae), Labcorp
Classification: Uncertain significance. Last evaluated: 2024-12-24. Review status: criteria provided, single submitter. Criteria: Invitae Variant Classification Sherloc (09022015). Collection method: clinical testing. Allele origin: germline.
Comment: This sequence change replaces threonine, which is neutral and polar, with proline, which is neutral and non-polar, at codon 533 of the SH3KBP1 protein (p.Thr533Pro). This variant is present in population databases (rs754680401, gnomAD 0.04%), and has an allele count higher than expected for a pathogenic variant. This variant has not been reported in the literature in individuals affected with SH3KBP1-related conditions. An algorithm developed to predict the effect of missense changes on protein structure and function (PolyPhen-2) suggests that this variant is likely to be tolerated. In summary, the available evidence is currently insufficient to determine the role of this variant in disease. Therefore, it has been classified as a Variant of Uncertain Significance.